The following is an entry in ClinVar:

ClinVar aggregate classification (germline): Uncertain significance. Review status: criteria provided, multiple submitters, no conflicts (2 of 4 stars). 2 submissions from 2 submitters: Uncertain significance (2). Last evaluated 2021-12-02.

Allele frequency attached by ClinVar (database versions not stated): gnomAD 0.00001; TOPMed 0.00001; ExAC 0.00002; gnomAD exomes 0.00002 and 0.00004.
gnomAD v4.1: 25 of 1,614,062 alleles (0.0015%); highest among the groups gnomAD compares: Non-Finnish European, 0.0021%; no homozygotes.

Submissions (2):

Labcorp Genetics (formerly Invitae), Labcorp
Classification: Uncertain significance. Last evaluated: 2021-12-02. Review status: criteria provided, single submitter. Criteria: Invitae Variant Classification Sherloc (09022015). Collection method: clinical testing. Allele origin: germline.
Comment: This sequence change replaces glycine, which is neutral and non-polar, with arginine, which is basic and polar, at codon 257 of the VARS2 protein (p.Gly257Arg). This variant is present in population databases (rs771388647, gnomAD 0.007%). This variant has not been reported in the literature in individuals affected with VARS2-related conditions. ClinVar contains an entry for this variant (Variation ID: 1302241). Algorithms developed to predict the effect of missense changes on protein structure and function are either unavailable or do not agree on the potential impact of this missense change (SIFT: "Tolerated"; PolyPhen-2: "Possibly Damaging"; Align-GVGD: "Class C0"). In summary, the available evidence is currently insufficient to determine the role of this variant in disease. Therefore, it has been classified as a Variant of Uncertain Significance.

GeneDx
Classification: Uncertain significance. Last evaluated: 2019-07-11. Review status: criteria provided, single submitter. Criteria: GeneDx Variant Classification Process June 2021. Collection method: clinical testing. Allele origin: germline. Affected: yes.
Comment: Not observed at a significant frequency in large population cohorts (Lek et al., 2016); In silico analysis, which includes protein predictors and evolutionary conservation, supports a deleterious effect. In addition, in silico splice predictors suggest this variant may lead to abnormal gene splicing. In the absence of RNA/functional studies, the actual effect of this sequence change is unknown; Has not been previously published as pathogenic or benign to our knowledge

NM_020442.6(VARS2):c.679G>A (p.Gly227Arg)

Gene: VARS2 (valyl-tRNA synthetase 2, mitochondrial; plus strand). Cytogenetic location: 6p21.33.
Variant type: single nucleotide variant.
Coding change: c.679G>A on transcript NM_020442.6 (MANE Select); coding-DNA position 679, G replaced by A.
Protein change: p.Gly227Arg; replaces glycine 227 with arginine.
Molecular consequence: missense variant.
Genome position (GRCh38, 1-based): chr6:30,916,885, G>A. VCF-style: chr6-30916885-G-A. GRCh37 (hg19) VCF-style: chr6-30884662-G-A.
Other names: c.259G>A, p.Gly87Arg (NM_001167733.3); c.769G>A, p.Gly257Arg (NM_001167734.2); short protein forms G227R, G257R, G87R.
Identifiers: ClinVar variation 1302241 (VCV001302241.4), dbSNP rs771388647, ClinGen allele CA3705698.
Genomic context (GRCh38, chr6:30,916,885, plus strand): 5'-TACATAGGAAGTGCTTGGGAAGTGTTTGCTGACAAGGATCTCTCTGGGCACAGGAAAGGT[G>A]GAGAGATCTGTGAGCAGCTGCGAGCTCTGGGTGCCTCCCTGGACTGGGATCGAGAGTGTT-3'
Protein context (NP_065175.4, residues 217-237): EVWQWKEAKG[Gly227Arg]EICEQLRALG